The following is an entry in ClinVar:

NM_000209.4(PDX1):c.418G>A (p.Ala140Thr)

Gene: PDX1 (pancreatic and duodenal homeobox 1; plus strand). Cytogenetic location: 13q12.2.
Variant type: single nucleotide variant.
Coding change: c.418G>A on transcript NM_000209.4 (MANE Select); coding-DNA position 418, G replaced by A.
Protein change: p.Ala140Thr; replaces alanine 140 with threonine.
Molecular consequence: missense variant.
Genome position (GRCh38, 1-based): chr13:27,924,267, G>A. VCF-style: chr13-27924267-G-A. GRCh37 (hg19) VCF-style: chr13-28498404-G-A.
Other names: short protein forms A140T.
Identifiers: ClinVar variation 586036 (VCV000586036.13), dbSNP rs143517122, ClinGen allele CA6927661.

ClinVar aggregate classification (germline): Conflicting classifications of pathogenicity. Review status: criteria provided, conflicting classifications (1 of 4 stars). 7 submissions from 7 submitters: Uncertain significance (1); Benign (1); Likely benign (3). 2 of the submissions do not count toward it. Last evaluated 2026-03-16.

Conditions:
Pancreatic hypoplasia. Identifiers: MedGen C0266267, HP:0002594.

Allele frequency attached by ClinVar (database versions not stated): TOPMed 0.00014; 1000 Genomes Project 30x 0.00016; 1000 Genomes Project 0.00020; gnomAD 0.00022; gnomAD exomes 0.00025; ExAC 0.00044; ESP Exome Variant Server 0.00046.

Submissions (7):

Women's Health and Genetics/Laboratory Corporation of America, LabCorp
Classification: Likely benign. Last evaluated: 2026-03-16. Review status: criteria provided, single submitter. Criteria: LabCorp Variant Classification Summary - May 2015. Collection method: clinical testing. Allele origin: germline.
Comment: Variant summary: PDX1 c.418G>A (p.Ala140Thr) results in a non-conservative amino acid change in the encoded protein sequence. Algorithms developed to predict the effect of missense changes on protein structure and function are either unavailable or do not agree on the potential impact of this missense change. The variant allele was found at a frequency of 0.00021 in 238274 control chromosomes, predominantly at a frequency of 0.00031 within the Non-Finnish European subpopulation in the gnomAD database. The observed variant frequency within Non-Finnish European control individuals in the gnomAD database exceeds the estimated maximal expected allele frequency for disease-causing variants in PDX1. c.418G>A has been observed in an individual affected with Maturity-Onset Diabetes Of The Young Type 4 but showed no segregation with disease (Hansen_2000). These report(s) do not provide unequivocal conclusions about association of the variant with Maturity-Onset Diabetes Of The Young Type 4. At least one publication reports experimental evidence evaluating an impact on protein function. The most pronounced variant effect results in 80% of normal activity (Hansen_2000, Stanojevic_2004). The following publications have been ascertained in the context of this evaluation (PMID: 10720084, 11022198, 12618559, 15001545). ClinVar contains an entry for this variant (Variation ID: 586036). Based on the evidence outlined above, the variant was classified as likely benign.

Labcorp Genetics (formerly Invitae), Labcorp
Classification: Uncertain significance. Last evaluated: 2025-10-03. Review status: criteria provided, single submitter. Criteria: Invitae Variant Classification Sherloc (09022015). Collection method: clinical testing. Allele origin: germline.
Comment: This sequence change replaces alanine, which is neutral and non-polar, with threonine, which is neutral and polar, at codon 140 of the PDX1 protein (p.Ala140Thr). This variant is present in population databases (rs143517122, gnomAD 0.04%). This missense change has been observed in individual(s) with clinical features of PDX1-related conditions (PMID: 10720084, 21569088). ClinVar contains an entry for this variant (Variation ID: 586036). Invitae Evidence Modeling of protein sequence and biophysical properties (such as structural, functional, and spatial information, amino acid conservation, physicochemical variation, residue mobility, and thermodynamic stability) indicates that this missense variant is not expected to disrupt PDX1 protein function with a negative predictive value of 80%. Experimental studies have shown that this missense change affects PDX1 function (PMID: 15001545). In summary, the available evidence is currently insufficient to determine the role of this variant in disease. Therefore, it has been classified as a Variant of Uncertain Significance.

GeneDx
Classification: Likely benign. Last evaluated: 2021-04-28. Review status: criteria provided, single submitter. Criteria: GeneDx Variant Classification Process June 2021. Collection method: clinical testing. Allele origin: germline. Affected: yes.
Comment: This variant is associated with the following publications: (PMID: 10720084, 21569088, 15001545)

Athena Diagnostics
Classification: Likely benign. Last evaluated: 2020-07-15. Review status: criteria provided, single submitter. Criteria: Athena Diagnostics Criteria. Collection method: clinical testing. Allele origin: unknown.

Clinical Genomics, Uppaluri K&H Personalized Medicine Clinic
Classification: Benign for Pancreatic hypoplasia. Review status: criteria provided, single submitter. Criteria: K & H Uppaluri Personalized Medicine Clinic Variant Classification & Assertion Criteria_Updated V.1. Collection method: research. Allele origin: unknown. Inheritance: Autosomal recessive inheritance.
Comment: Potent homozygous mutations in the PDX1 gene can lead to pancreatic agenesis/pancreatic hypoplasia and neonatal diabetes mellitus. However no sufficient evidence is found to ascertain the role of this particular variant rs143517122, yet.

Clinical Genetics DNA and cytogenetics Diagnostics Lab, Erasmus MC, Erasmus Medical Center
Classification: Likely benign. Review status: no assertion criteria provided. Collection method: clinical testing. Allele origin: germline. Affected: yes. Study: VKGL Data-share Consensus. Not counted in ClinVar's aggregate classification.

Laboratory of Diagnostic Genome Analysis, Leiden University Medical Center (LUMC)
Classification: Likely benign. Review status: no assertion criteria provided. Collection method: clinical testing. Allele origin: germline. Affected: yes. Study: VKGL Data-share Consensus. Not counted in ClinVar's aggregate classification.

Literature cited by the submitters: PubMed 10720084 (cited by 3 submitters); PubMed 11022198 (cited by Women's Health and Genetics/Laboratory Corporation of America, LabCorp); PubMed 12618559 (cited by Women's Health and Genetics/Laboratory Corporation of America, LabCorp); PubMed 15001545 (cited by 3 submitters); PubMed 21569088 (cited by Labcorp Genetics (formerly Invitae), Labcorp); PubMed 15885879 (cited by Athena Diagnostics); PubMed 31366392 (cited by Clinical Genomics, Uppaluri K&H Personalized Medicine Clinic); PubMed 19855005 (cited by Clinical Genomics, Uppaluri K&H Personalized Medicine Clinic); PubMed 29396371 (cited by Clinical Genomics, Uppaluri K&H Personalized Medicine Clinic); PubMed 28436541 (cited by Clinical Genomics, Uppaluri K&H Personalized Medicine Clinic); PubMed 27386488 (cited by Clinical Genomics, Uppaluri K&H Personalized Medicine Clinic); PubMed 19817786 (cited by Clinical Genomics, Uppaluri K&H Personalized Medicine Clinic).